The following is an entry in ClinVar:

NM_001267550.2(TTN):c.40408+3dup

Gene: TTN (titin; minus strand). Cytogenetic location: 2q31.2.
Variant type: Duplication.
Coding change: c.40408+3dup on transcript NM_001267550.2 (MANE Select); 3 bases into the intron after coding-DNA position 40408, one base duplicated (A; older notation c.40408+3dupA).
Molecular consequence: intron variant.
Genome position (GRCh38, 1-based): chr2:178,645,912, T duplicated on the plus strand (A on the coding strand, the reverse complement: TTN is on the minus strand); the first of 6 consecutive T bases (chr2:178,645,912-178,645,917); duplicating any one gives the same sequence. VCF-style (leftmost placement, unchanged base first): chr2-178645911-A-AT. GRCh37 (hg19) VCF-style: chr2-179510638-A-AT.
Other names: c.35485+8dupA (NM_001256850.1); c.13283-3600dup (NM_003319.4); c.13859-3600dup (NM_133437.4); c.13658-3600dup (NM_133432.3); c.32704+3dup (NM_133378.4); c.35485+3dup (NM_001256850.1).
Identifiers: ClinVar variation 517680 (VCV000517680.17), dbSNP rs727504922, ClinGen allele CA1996499.

ClinVar aggregate classification (germline): Conflicting classifications of pathogenicity. Review status: criteria provided, conflicting classifications (1 of 4 stars). 3 submissions from 3 submitters: Uncertain significance (1); Likely benign (2). Last evaluated 2024-10-07.

Conditions:
Dilated cardiomyopathy 1G (CMD1G). Identifiers: Orphanet 154, MedGen C1858763, MONDO:0011400, OMIM 604145.
Autosomal recessive limb-girdle muscular dystrophy type 2J (LGMDR10). Also called: Limb-girdle muscular dystrophy, type 2J; MUSCULAR DYSTROPHY, LIMB-GIRDLE, AUTOSOMAL RECESSIVE 10. Identifiers: Orphanet 140922, MedGen C1837342, MONDO:0012127, OMIM 608807.

Submissions (3):

Labcorp Genetics (formerly Invitae), Labcorp
Classification: Likely benign for Dilated cardiomyopathy 1G; Autosomal recessive limb-girdle muscular dystrophy type 2J. Last evaluated: 2024-10-07. Review status: criteria provided, single submitter. Criteria: Invitae Variant Classification Sherloc (09022015). Collection method: clinical testing. Allele origin: germline.

Eurofins Ntd Llc (ga)
Classification: Uncertain significance. Last evaluated: 2017-12-22. Review status: criteria provided, single submitter. Criteria: EGL Classification Definitions 2015. Collection method: clinical testing. Allele origin: germline. Observed: 1 variant allele.

GeneDx
Classification: Likely benign. Last evaluated: 2017-01-20. Review status: criteria provided, single submitter. Criteria: GeneDx Variant Classification (06012015). Collection method: clinical testing. Allele origin: germline. Affected: yes.
Comment: This variant is considered likely benign or benign based on one or more of the following criteria: it is a conservative change, it occurs at a poorly conserved position in the protein, it is predicted to be benign by multiple in silico algorithms, and/or has population frequency not consistent with disease.